The following is an entry in ClinVar:

ClinVar aggregate classification (germline): Uncertain significance (1 of 4 stars; one submission).

gnomAD v4.1: 1 of 1,613,852 alleles (0.000062%); highest among the groups gnomAD compares: South Asian, 0.0011%; no homozygotes.

Submission:

Ambry Genetics
Classification: Uncertain significance. Last evaluated: 2024-05-04. Review status: criteria provided, single submitter. Criteria: Ambry Variant Classification Scheme 2023. Collection method: clinical testing. Allele origin: germline.
Comment: The p.K222T variant (also known as c.665A>C), located in coding exon 5 of the RINT1 gene, results from an A to C substitution at nucleotide position 665. The lysine at codon 222 is replaced by threonine, an amino acid with similar properties. This amino acid position is conserved. In addition, this alteration is predicted to be tolerated by in silico analysis. Based on the available evidence, the clinical significance of this variant remains unclear.

NM_021930.6(RINT1):c.665A>C (p.Lys222Thr)

Gene: RINT1 (RAD50 interactor 1; plus strand). Cytogenetic location: 7q22.3.
Variant type: single nucleotide variant.
Coding change: c.665A>C on transcript NM_021930.6 (MANE Select); coding-DNA position 665, A replaced by C.
Protein change: p.Lys222Thr; replaces lysine 222 with threonine.
Molecular consequence: missense variant. On other transcripts: 5 prime UTR variant (2), non-coding transcript variant (1), intron variant (1).
Genome position (GRCh38, 1-based): chr7:105,547,059, A>C. VCF-style: chr7-105547059-A-C. GRCh37 (hg19) VCF-style: chr7-105187506-A-C.
Other names: c.431A>C, p.Lys144Thr (NM_001346599.2); c.-355A>C (NM_001346600.2); c.-258A>C (NM_001346601.2); c.-27-2996A>C (NM_001346603.2); short protein forms K144T, K222T.
Identifiers: ClinVar variation 3314427 (VCV003314427.1).